The following is an entry in ClinVar:

NM_006662.3(SRCAP):c.8144C>T (p.Ser2715Leu)

Gene: SRCAP (Snf2 related CREBBP activator protein; plus strand). Cytogenetic location: 16p11.2.
Variant type: single nucleotide variant.
Coding change: c.8144C>T on transcript NM_006662.3 (MANE Select); coding-DNA position 8144, C replaced by T.
Protein change: p.Ser2715Leu; replaces serine 2715 with leucine.
Molecular consequence: missense variant.
Genome position (GRCh38, 1-based): chr16:30,738,184, C>T. VCF-style: chr16-30738184-C-T. GRCh37 (hg19) VCF-style: chr16-30749505-C-T.
Other names: short protein forms S2715L.
Identifiers: ClinVar variation 1477938 (VCV001477938.7), dbSNP rs1199702693, ClinGen allele CA395636278.

ClinVar aggregate classification (germline): Uncertain significance. Review status: criteria provided, multiple submitters, no conflicts (2 of 4 stars). 2 submissions from 2 submitters: Uncertain significance (2). Last evaluated 2024-12-24.

Conditions:
Floating-Harbor syndrome (FLHS). Also called: Short stature with delayed bone age, expressive language delay, a triangular face with a prominent nose and deep-set eyes; Pelletier-Leisti syndrome; SRCAP-Related Floating-Harbor Syndrome. Identifiers: Orphanet 2044, MedGen C0729582, MONDO:0007621, OMIM 136140.
Developmental delay, hypotonia, musculoskeletal defects, and behavioral abnormalities. Identifiers: MedGen C5562012, MONDO:0859202, OMIM 619595.

Allele frequency attached by ClinVar (database versions not stated): gnomAD exomes below 0.00001 and 0.00003; gnomAD 0.00001; TOPMed 0.00003.
gnomAD v4.1: 47 of 1,614,086 alleles (0.0029%); highest among the groups gnomAD compares: Non-Finnish European, 0.0039%; no homozygotes.

Submissions (2):

Labcorp Genetics (formerly Invitae), Labcorp
Classification: Uncertain significance. Last evaluated: 2024-12-24. Review status: criteria provided, single submitter. Criteria: Invitae Variant Classification Sherloc (09022015). Collection method: clinical testing. Allele origin: germline.
Comment: This sequence change replaces serine, which is neutral and polar, with leucine, which is neutral and non-polar, at codon 2715 of the SRCAP protein (p.Ser2715Leu). This variant is present in population databases (no rsID available, gnomAD 0.0009%). This missense change has been observed in individual(s) with SRCAP-related conditions (internal data). ClinVar contains an entry for this variant (Variation ID: 1477938). An algorithm developed to predict the effect of missense changes on protein structure and function outputs the following: PolyPhen-2: "Not Available". The leucine amino acid residue is found in multiple mammalian species, which suggests that this missense change does not adversely affect protein function. In summary, the available evidence is currently insufficient to determine the role of this variant in disease. Therefore, it has been classified as a Variant of Uncertain Significance.

Fulgent Genetics
Classification: Uncertain significance for Floating-Harbor syndrome; Developmental delay, hypotonia, musculoskeletal defects, and behavioral abnormalities. Last evaluated: 2024-04-28. Review status: criteria provided, single submitter. Criteria: ACMG Guidelines, 2015. Collection method: clinical testing. Allele origin: germline.